The following is an entry in ClinVar:

NC_000001.10:g.(?_103404571)_(103404664_?)del

Gene: COL11A1 (collagen type XI alpha 1 chain; minus strand). Cytogenetic location: 1p21.1.
Variant type: Deletion.
Identifiers: ClinVar variation 2424272 (VCV002424272.4).

ClinVar aggregate classification (germline): Uncertain significance (1 of 4 stars; one submission).

Submission:

Labcorp Genetics (formerly Invitae), Labcorp
Classification: Uncertain significance. Last evaluated: 2022-09-05. Review status: criteria provided, single submitter. Criteria: Invitae Variant Classification Sherloc (09022015). Collection method: clinical testing. Allele origin: germline.
Comment: In summary, the available evidence is currently insufficient to determine the role of this variant in disease. Therefore, it has been classified as a Variant of Uncertain Significance. Experimental studies and prediction algorithms are not available or were not evaluated, and the functional significance of this variant is currently unknown. A similar copy number variant has been observed in individual(s) with clinical features of Stickler syndrome (Invitae). This variant is a gross deletion of the genomic region encompassing exon(s) 44 of the COL11A1 gene. This variant would be expected to be in-frame, preserving the integrity of the reading frame.